The following is an entry in ClinVar:

ClinVar aggregate classification (germline): Benign/Likely benign. Review status: criteria provided, multiple submitters, no conflicts (2 of 4 stars). 7 submissions from 7 submitters: Benign (1); Likely benign (4). 2 of the submissions do not count toward it. Last evaluated 2026-01-25.

Conditions:
DiGeorge syndrome. Also called: THIRD AND FOURTH PHARYNGEAL POUCH SYNDROME; Catch22. Identifiers: Orphanet 567, MedGen C0012236, MONDO:0008564, OMIM 188400.

Allele frequency attached by ClinVar (database versions not stated): 1000 Genomes Project 30x 0.00031; 1000 Genomes Project 0.00040; gnomAD exomes 0.00048; gnomAD 0.00049 and 0.00053; ExAC 0.00050; ESP Exome Variant Server 0.00054; TOPMed 0.00059.
gnomAD v4.1: 846 of 1,612,722 alleles (0.052%); highest among the groups gnomAD compares: Middle Eastern, 0.28%; 3 homozygotes.

Submissions (7):

Labcorp Genetics (formerly Invitae), Labcorp
Classification: Likely benign for DiGeorge syndrome. Last evaluated: 2026-01-25. Review status: criteria provided, single submitter. Criteria: Invitae Variant Classification Sherloc (09022015). Collection method: clinical testing. Allele origin: germline.

CeGaT Center for Human Genetics Tuebingen
Classification: Likely benign. Last evaluated: 2024-12-01. Review status: criteria provided, single submitter. Criteria: CeGaT Center For Human Genetics Tuebingen Variant Classification Criteria Version 2. Collection method: clinical testing. Allele origin: germline. Affected: yes. Observed: 1 variant allele.
Comment: TBX1: BP4, BS2

Blueprint Genetics
Classification: Likely benign. Last evaluated: 2024-10-21. Review status: criteria provided, single submitter. Criteria: ACMG Guidelines, 2015. Collection method: clinical testing. Allele origin: germline.

GeneDx
Classification: Benign. Last evaluated: 2015-03-03. Review status: criteria provided, single submitter. Criteria: GeneDx Variant Classification Process June 2021. Collection method: clinical testing. Allele origin: germline. Affected: yes.

Breakthrough Genomics
Classification: Likely benign. Review status: criteria provided, single submitter. Criteria: ACMG Guidelines, 2015. Collection method: not provided. Allele origin: germline. Inheritance: Autosomal dominant inheritance. Affected: yes.

Clinical Genetics DNA and cytogenetics Diagnostics Lab, Erasmus MC, Erasmus Medical Center
Classification: Likely benign. Review status: no assertion criteria provided. Collection method: clinical testing. Allele origin: germline. Affected: yes. Study: VKGL Data-share Consensus. Not counted in ClinVar's aggregate classification.

Genome Diagnostics Laboratory, University Medical Center Utrecht
Classification: Likely benign. Review status: no assertion criteria provided. Collection method: clinical testing. Allele origin: germline. Affected: yes. Study: VKGL Data-share Consensus. Not counted in ClinVar's aggregate classification.

NM_001379200.1(TBX1):c.540-8C>T

Gene: TBX1 (T-box transcription factor 1; plus strand). Cytogenetic location: 22q11.21.
Variant type: single nucleotide variant.
Coding change: c.540-8C>T on transcript NM_001379200.1 (MANE Select); 8 bases into the intron before coding-DNA position 540, C replaced by T.
Molecular consequence: intron variant.
Genome position (GRCh38, 1-based): chr22:19,764,147, C>T. VCF-style: chr22-19764147-C-T. GRCh37 (hg19) VCF-style: chr22-19751670-C-T.
Other names: c.513-8C>T (NM_005992.1, NM_080646.2, NM_080647.1).
Identifiers: ClinVar variation 695365 (VCV000695365.30), dbSNP rs72646960, ClinGen allele CA10102489.